The following is an entry in ClinVar:

NM_001367624.2(ZNF469):c.4874C>G (p.Ala1625Gly)

Gene: ZNF469 (zinc finger protein 469; plus strand). Cytogenetic location: 16q24.2.
Variant type: single nucleotide variant.
Coding change: c.4874C>G on transcript NM_001367624.2 (MANE Select); coding-DNA position 4874, C replaced by G.
Protein change: p.Ala1625Gly; replaces alanine 1625 with glycine.
Molecular consequence: missense variant.
Genome position (GRCh38, 1-based): chr16:88,432,344, C>G. VCF-style: chr16-88432344-C-G. GRCh37 (hg19) VCF-style: chr16-88498752-C-G.
Other names: NM_001127464.1:c.4790C>G; short protein forms A1625G.
Identifiers: ClinVar variation 3987342 (VCV003987342.1).
Genomic context (GRCh38, chr16:88,432,344, plus strand): 5'-CACCCTCCCAACGGCGCACCTGCCAGGCCACCGTGCCCCACGAGGACACGTTCTCGGCAG[C>G]TGACCTCACGCGCGTTGGAGAATCCACTGCACATCGGGAGGGTGCGGAATCGGCTGTGGC-3'
Protein context (NP_001354553.1, residues 1615-1635): TVPHEDTFSA[Ala1625Gly]DLTRVGESTA

ClinVar aggregate classification (germline): Uncertain significance (1 of 4 stars; one submission).

Conditions:
Cardiovascular phenotype. Identifiers: MedGen CN230736.

gnomAD v4.1: 2 of 1,548,326 alleles (0.00013%); highest among the groups gnomAD compares: African/African-American, 0.0027%; no homozygotes.

Submission:

Ambry Genetics
Classification: Uncertain significance for Cardiovascular phenotype. Last evaluated: 2025-05-10. Review status: criteria provided, single submitter. Criteria: Ambry Variant Classification Scheme 2023. Collection method: clinical testing. Allele origin: germline.
Comment: The p.A1597G variant (also known as c.4790C>G), located in coding exon 2 of the ZNF469 gene, results from a C to G substitution at nucleotide position 4790. The alanine at codon 1597 is replaced by glycine, an amino acid with similar properties. This amino acid position is conserved. In addition, this alteration is predicted to be tolerated by in silico analysis. Based on the available evidence, the clinical significance of this variant remains unclear.